The following is an entry in ClinVar:

NM_001025356.3(ANO6):c.634-7T>C

Gene: ANO6 (anoctamin 6; plus strand). Cytogenetic location: 12q12.
Variant type: single nucleotide variant.
Coding change: c.634-7T>C on transcript NM_001025356.3 (MANE Select); 7 bases into the intron before coding-DNA position 634, T replaced by C.
Molecular consequence: intron variant.
Genome position (GRCh38, 1-based): chr12:45,348,511, T>C. VCF-style: chr12-45348511-T-C. GRCh37 (hg19) VCF-style: chr12-45742294-T-C.
Other names: c.634-7T>C (NM_001025356.2, NM_001142679.2); c.697-7T>C (NM_001204803.2); c.601-7T>C (NM_001410973.1); c.580-7T>C (NM_001142678.2).
Identifiers: ClinVar variation 2722686 (VCV002722686.5), dbSNP rs530881411, ClinGen allele CA6525052.

ClinVar aggregate classification (germline): Benign. Review status: criteria provided, single submitter (1 of 4 stars). 2 submissions from 2 submitters: Benign (1). 1 of the submissions does not count toward it. Last evaluated 2025-10-27.

Conditions:
ANO6-related disorder. Also called: ANO6-related condition.

Allele frequency attached by ClinVar (database versions not stated): gnomAD 0.00040; ExAC 0.00137; 1000 Genomes Project 30x 0.00281; 1000 Genomes Project 0.00339; gnomAD exomes 0.00060; TOPMed 0.00007.
gnomAD v4.1: 924 of 1,610,894 alleles (0.057%); highest among the groups gnomAD compares: South Asian, 0.95%; 14 homozygotes.

Submissions (2):

Labcorp Genetics (formerly Invitae), Labcorp
Classification: Benign. Last evaluated: 2025-10-27. Review status: criteria provided, single submitter. Criteria: Invitae Variant Classification Sherloc (09022015). Collection method: clinical testing. Allele origin: germline.

PreventionGenetics, part of Exact Sciences
Classification: Likely benign for ANO6-related condition. Last evaluated: 2019-06-05. Review status: no assertion criteria provided. Collection method: clinical testing. Allele origin: germline. Not counted in ClinVar's aggregate classification.
Comment: This variant is classified as likely benign based on ACMG/AMP sequence variant interpretation guidelines (Richards et al. 2015 PMID: 25741868, with internal and published modifications).